The following is an entry in ClinVar:

ClinVar aggregate classification (germline): Uncertain significance (1 of 4 stars; one submission).

Allele frequency attached by ClinVar (database versions not stated): gnomAD exomes below 0.00001.
gnomAD v4.1: 2 of 1,612,524 alleles (0.00012%); highest among the groups gnomAD compares: South Asian, 0.0022%; no homozygotes.

Submission:

Labcorp Genetics (formerly Invitae), Labcorp
Classification: Uncertain significance. Last evaluated: 2022-10-20. Review status: criteria provided, single submitter. Criteria: Invitae Variant Classification Sherloc (09022015). Collection method: clinical testing. Allele origin: germline.
Comment: This sequence change replaces serine, which is neutral and polar, with leucine, which is neutral and non-polar, at codon 261 of the PAX1 protein (p.Ser261Leu). This variant is not present in population databases (gnomAD no frequency). This variant has not been reported in the literature in individuals affected with PAX1-related conditions. Advanced modeling of protein sequence and biophysical properties (such as structural, functional, and spatial information, amino acid conservation, physicochemical variation, residue mobility, and thermodynamic stability) performed at Invitae indicates that this missense variant is not expected to disrupt PAX1 protein function. In summary, the available evidence is currently insufficient to determine the role of this variant in disease. Therefore, it has been classified as a Variant of Uncertain Significance.

NM_001257096.2(PAX1):c.782C>T (p.Ser261Leu)

Gene: PAX1 (paired box 1; plus strand). Cytogenetic location: 20p11.22.
Variant type: single nucleotide variant.
Coding change: c.782C>T on transcript NM_001257096.2 (MANE Select); coding-DNA position 782, C replaced by T.
Protein change: p.Ser261Leu; replaces serine 261 with leucine.
Molecular consequence: missense variant.
Genome position (GRCh38, 1-based): chr20:21,706,933, C>T. VCF-style: chr20-21706933-C-T. GRCh37 (hg19) VCF-style: chr20-21687571-C-T.
Other names: c.782C>T, p.Ser261Leu (NM_006192.5); short protein forms S261L.
Identifiers: ClinVar variation 1963119 (VCV001963119.5), dbSNP rs1229986699, ClinGen allele CA408498713.